The following is an entry in ClinVar:

NM_001355436.2(SPTB):c.1311del (p.Trp437fs)

Gene: SPTB (spectrin beta, erythrocytic; minus strand). Cytogenetic location: 14q23.3.
Variant type: Deletion.
Coding change: c.1311del on transcript NM_001355436.2 (MANE Select); coding-DNA position 1311, one base deleted (G; older notation c.1311delG).
Protein change: p.Trp437fs; shifts the reading frame from tryptophan 437.
Molecular consequence: frameshift variant.
Genome position (GRCh38, 1-based): chr14:64,796,587, C deleted on the plus strand (G on the coding strand, the reverse complement: SPTB is on the minus strand); the first of 2 consecutive C bases (chr14:64,796,587-64,796,588); deleting either gives the same sequence. VCF-style (leftmost placement, unchanged base first): chr14-64796586-GC-G. GRCh37 (hg19) VCF-style: chr14-65263304-GC-G.
Other names: c.1311del, p.Trp437fs (NM_001024858.4, NM_001355437.2); short protein forms W437fs.
Identifiers: ClinVar variation 3382356 (VCV003382356.2).
Genomic context (GRCh38, chr14:64,796,586, plus strand): 5'-CTCCTGTCACCCAAAGCATGTCCCTCATTACCTGGGCCACGAGGCGCTGGTTTTCACTGA[GC>G]CAGGTCTCTCTCATTGCGGCCTTCCGGTCAAAGCGCCGGGCCAGTTGCTCTAGCTTCTCC-3'

ClinVar aggregate classification (germline): Pathogenic (1 of 4 stars; one submission).

Conditions:
Hereditary spherocytosis type 2. Also called: SPHEROCYTOSIS, TYPE 2, AUTOSOMAL DOMINANT. Identifiers: Orphanet 822, MedGen C2674219, MONDO:0000913, OMIM 616649.

Submission:

Juno Genomics, Hangzhou Juno Genomics, Inc
Classification: Pathogenic for Hereditary spherocytosis type 2. Review status: criteria provided, single submitter. Criteria: ACMG Guidelines, 2015. Collection method: clinical testing. Allele origin: germline. Affected: yes.
Comment: Absent from controls (or at extremely low frequency if recessive) in Genome Aggregation Database, Exome Sequencing Project, 1000 Genomes Project, or Exome Aggregation Consortium.;Null variant in a gene where loss of function (LOF) is a known mechanism of disease.;Patient's phenotype or family history is highly specific for a disease with a single genetic etiology.